The following is an entry in ClinVar:

ClinVar aggregate classification (germline): Uncertain significance (1 of 4 stars; one submission).

Allele frequency attached by ClinVar (database versions not stated): TOPMed below 0.00001; gnomAD 0.00003.

Submission:

Labcorp Genetics (formerly Invitae), Labcorp
Classification: Uncertain significance. Last evaluated: 2022-07-06. Review status: criteria provided, single submitter. Criteria: Invitae Variant Classification Sherloc (09022015). Collection method: clinical testing. Allele origin: germline.
Comment: This sequence change replaces arginine, which is basic and polar, with glutamine, which is neutral and polar, at codon 5 of the C1QA protein (p.Arg5Gln). This variant is present in population databases (no rsID available, gnomAD 0.003%). This variant has not been reported in the literature in individuals affected with C1QA-related conditions. Algorithms developed to predict the effect of missense changes on protein structure and function output the following: SIFT: "Tolerated"; PolyPhen-2: "Benign"; Align-GVGD: "Class C0". The glutamine amino acid residue is found in multiple mammalian species, which suggests that this missense change does not adversely affect protein function. In summary, the available evidence is currently insufficient to determine the role of this variant in disease. Therefore, it has been classified as a Variant of Uncertain Significance.

NM_015991.4(C1QA):c.14G>A (p.Arg5Gln)

Gene: C1QA (complement C1q A chain; plus strand). Cytogenetic location: 1p36.12.
Variant type: single nucleotide variant.
Coding change: c.14G>A on transcript NM_015991.4 (MANE Select); coding-DNA position 14, G replaced by A.
Protein change: p.Arg5Gln; replaces arginine 5 with glutamine.
Molecular consequence: missense variant.
Genome position (GRCh38, 1-based): chr1:22,637,630, G>A. VCF-style: chr1-22637630-G-A. GRCh37 (hg19) VCF-style: chr1-22964123-G-A.
Other names: c.14G>A, p.Arg5Gln (NM_001347465.2, NM_001347466.2); short protein forms R5Q.
Identifiers: ClinVar variation 2176737 (VCV002176737.1), dbSNP rs1435120957, ClinGen allele CA338926833.